The following is an entry in ClinVar:

NM_006904.7(PRKDC):c.2330C>T (p.Ser777Leu)

Gene: PRKDC (protein kinase, DNA-activated, catalytic subunit; minus strand). Cytogenetic location: 8q11.21.
Variant type: single nucleotide variant.
Coding change: c.2330C>T on transcript NM_006904.7 (MANE Select); coding-DNA position 2330, C replaced by T.
Protein change: p.Ser777Leu; replaces serine 777 with leucine.
Molecular consequence: missense variant.
Genome position (GRCh38, 1-based): chr8:47,927,283, G>A on the plus strand (C>T on the coding strand, the complement: PRKDC is on the minus strand). VCF-style: chr8-47927283-G-A. GRCh37 (hg19) VCF-style: chr8-48839843-G-A.
Other names: c.2330C>T, p.Ser777Leu (NM_001081640.2); short protein forms S777L.
Identifiers: ClinVar variation 1789718 (VCV001789718.2), dbSNP rs1178570464, ClinGen allele CA371161881.

ClinVar aggregate classification (germline): Uncertain significance (1 of 4 stars; one submission).

Allele frequency attached by ClinVar (database versions not stated): gnomAD 0.00001; TOPMed 0.00001.
gnomAD v4.1: 2 of 1,613,518 alleles (0.00012%); highest among the groups gnomAD compares: Admixed American, 0.0033%; no homozygotes.

Submission:

Ambry Genetics
Classification: Uncertain significance. Last evaluated: 2022-06-07. Review status: criteria provided, single submitter. Criteria: Ambry Variant Classification Scheme 2023. Collection method: clinical testing. Allele origin: germline.
Comment: The p.S777L variant (also known as c.2330C>T), located in coding exon 21 of the PRKDC gene, results from a C to T substitution at nucleotide position 2330. The serine at codon 777 is replaced by leucine, an amino acid with dissimilar properties. This amino acid position is conserved. In addition, the in silico prediction for this alteration is inconclusive. Since supporting evidence is limited at this time, the clinical significance of this alteration remains unclear.